The following is an entry in ClinVar:

NM_001042492.3(NF1):c.2866A>G (p.Thr956Ala)

Gene: NF1 (neurofibromin 1; plus strand). Cytogenetic location: 17q11.2.
Variant type: single nucleotide variant.
Coding change: c.2866A>G on transcript NM_001042492.3 (MANE Select); coding-DNA position 2866, A replaced by G.
Protein change: p.Thr956Ala; replaces threonine 956 with alanine.
Molecular consequence: missense variant.
Genome position (GRCh38, 1-based): chr17:31,229,850, A>G. VCF-style: chr17-31229850-A-G. GRCh37 (hg19) VCF-style: chr17-29556868-A-G.
Other names: c.2866A>G, p.Thr956Ala (NM_000267.4); short protein forms T956A.
Identifiers: ClinVar variation 1026106 (VCV001026106.5), dbSNP rs2067082802, ClinGen allele CA398986006.

ClinVar aggregate classification (germline): Uncertain significance (1 of 4 stars; one submission).

Conditions:
Neurofibromatosis, type 1 (NF1). Also called: Peripheral type neurofibromatosis; Neurofibromatosis, type I; VON RECKLINGHAUSEN DISEASE; NEUROFIBROMATOSIS, TYPE I, SOMATIC. Identifiers: Orphanet 636, MedGen C0027831, MONDO:0018975, OMIM 162200. Disease mechanism: loss of function.

Allele frequency attached by ClinVar (database versions not stated): gnomAD 0.00001.
gnomAD v4.1: 1 of 1,611,650 alleles (0.000062%); highest among the groups gnomAD compares: Admixed American, 0.0017%; no homozygotes.

Submission:

Labcorp Genetics (formerly Invitae), Labcorp
Classification: Uncertain significance for Neurofibromatosis, type 1. Last evaluated: 2025-12-18. Review status: criteria provided, single submitter. Criteria: Invitae Variant Classification Sherloc (09022015). Collection method: clinical testing. Allele origin: germline.
Comment: This sequence change replaces threonine, which is neutral and polar, with alanine, which is neutral and non-polar, at codon 956 of the NF1 protein (p.Thr956Ala). This variant is not present in population databases (gnomAD no frequency). This variant has not been reported in the literature in individuals affected with NF1-related conditions. ClinVar contains an entry for this variant (Variation ID: 1026106). Invitae Evidence Modeling of protein sequence and biophysical properties (such as structural, functional, and spatial information, amino acid conservation, physicochemical variation, residue mobility, and thermodynamic stability) indicates that this missense variant is not expected to disrupt NF1 protein function with a negative predictive value of 95%. In summary, the available evidence is currently insufficient to determine the role of this variant in disease. Therefore, it has been classified as a Variant of Uncertain Significance.